The following is an entry in ClinVar:

ClinVar aggregate classification (germline): Uncertain significance (1 of 4 stars; one submission).

Submission:

Labcorp Genetics (formerly Invitae), Labcorp
Classification: Uncertain significance. Last evaluated: 2024-10-14. Review status: criteria provided, single submitter. Criteria: Invitae Variant Classification Sherloc (09022015). Collection method: clinical testing. Allele origin: germline.
Comment: This sequence change replaces valine, which is neutral and non-polar, with phenylalanine, which is neutral and non-polar, at codon 237 of the SIAE protein (p.Val237Phe). This variant is not present in population databases (gnomAD no frequency). This variant has not been reported in the literature in individuals affected with SIAE-related conditions. ClinVar contains an entry for this variant (Variation ID: 1406646). An algorithm developed to predict the effect of missense changes on protein structure and function (PolyPhen-2) suggests that this variant is likely to be disruptive. In summary, the available evidence is currently insufficient to determine the role of this variant in disease. Therefore, it has been classified as a Variant of Uncertain Significance.

NM_170601.5(SIAE):c.709G>T (p.Val237Phe)

Gene: SIAE (sialic acid acetylesterase; minus strand). Cytogenetic location: 11q24.2.
Variant type: single nucleotide variant.
Coding change: c.709G>T on transcript NM_170601.5 (MANE Select); coding-DNA position 709, G replaced by T.
Protein change: p.Val237Phe; replaces valine 237 with phenylalanine.
Molecular consequence: missense variant.
Genome position (GRCh38, 1-based): chr11:124,649,632, C>A on the plus strand (G>T on the coding strand, the complement: SIAE is on the minus strand). VCF-style: chr11-124649632-C-A. GRCh37 (hg19) VCF-style: chr11-124519528-C-A.
Other names: c.604G>T, p.Val202Phe (NM_001199922.2); short protein forms V202F, V237F.
Identifiers: ClinVar variation 1406646 (VCV001406646.8), dbSNP rs2134366670, ClinGen allele CA383150379.